The following is an entry in ClinVar:

ClinVar aggregate classification (germline): Uncertain significance (1 of 4 stars; one submission).

Conditions:
Charcot-Marie-Tooth Neuropathy X. Identifiers: MedGen CN118851.

Submission:

Labcorp Genetics (formerly Invitae), Labcorp
Classification: Uncertain significance for Charcot-Marie-Tooth Neuropathy X. Last evaluated: 2021-12-23. Review status: criteria provided, single submitter. Criteria: Invitae Variant Classification Sherloc (09022015). Collection method: clinical testing. Allele origin: germline.
Comment: Algorithms developed to predict the effect of missense changes on protein structure and function (SIFT, PolyPhen-2, Align-GVGD) all suggest that this variant is likely to be tolerated. In summary, the available evidence is currently insufficient to determine the role of this variant in disease. Therefore, it has been classified as a Variant of Uncertain Significance. This variant has not been reported in the literature in individuals affected with GJB1-related conditions. This sequence change replaces threonine, which is neutral and polar, with alanine, which is neutral and non-polar, at codon 130 of the GJB1 protein (p.Thr130Ala). This variant is not present in population databases (gnomAD no frequency).

NM_000166.6(GJB1):c.388A>G (p.Thr130Ala)

Gene: GJB1 (gap junction protein beta 1; plus strand). Cytogenetic location: Xq13.1.
Variant type: single nucleotide variant.
Coding change: c.388A>G on transcript NM_000166.6 (MANE Select); coding-DNA position 388, A replaced by G.
Protein change: p.Thr130Ala; replaces threonine 130 with alanine.
Molecular consequence: missense variant.
Genome position (GRCh38, 1-based): chrX:71,224,095, A>G. VCF-style: chrX-71224095-A-G. GRCh37 (hg19) VCF-style: chrX-70443945-A-G.
Other names: c.388A>G, p.Thr130Ala (NM_001097642.3); short protein forms T130A.
Identifiers: ClinVar variation 1976032 (VCV001976032.5), dbSNP rs2519798431, ClinGen allele CA413502122.